The following is an entry in ClinVar:

NM_030780.5(SLC25A32):c.235C>T (p.Arg79Trp)

Gene: SLC25A32 (solute carrier family 25 member 32; minus strand). Cytogenetic location: 8q22.3.
Variant type: single nucleotide variant.
Coding change: c.235C>T on transcript NM_030780.5 (MANE Select); coding-DNA position 235, C replaced by T.
Protein change: p.Arg79Trp; replaces arginine 79 with tryptophan.
Molecular consequence: missense variant. On other transcripts: non-coding transcript variant (2).
Genome position (GRCh38, 1-based): chr8:103,407,704, G>A on the plus strand (C>T on the coding strand, the complement: SLC25A32 is on the minus strand). VCF-style: chr8-103407704-G-A. GRCh37 (hg19) VCF-style: chr8-104419932-G-A.
Other names: c.235C>T (NM_030780.3); short protein forms R79W.
Identifiers: ClinVar variation 3023943 (VCV003023943.4), dbSNP rs756664081, ClinGen allele CA4835534.
Genomic context (GRCh38, chr8:103,407,704, plus strand): 5'-AGAGTCCCCAGGATAAACCTGCACCCCATATATTTGGGGTTACTCCTTGATAAAGTCCCC[G>A]TAGTCCATCAAGTTTCCAAATGGTAGTCAAGCAATGTAAAATTCCATTATATTTCGGTCT-3'
Protein context (NP_110407.2, residues 69-89): LTTIWKLDGL[Arg79Trp]GLYQGVTPNI

ClinVar aggregate classification (germline): Uncertain significance. Review status: criteria provided, multiple submitters, no conflicts (2 of 4 stars). 2 submissions from 2 submitters: Uncertain significance (2). Last evaluated 2025-03-30.

Allele frequency attached by ClinVar (database versions not stated): gnomAD exomes 0.00001; TOPMed 0.00008; 1000 Genomes Project 30x 0.00016; gnomAD 0.00012; ExAC 0.00002.

Submissions (2):

Labcorp Genetics (formerly Invitae), Labcorp
Classification: Uncertain significance. Last evaluated: 2025-03-30. Review status: criteria provided, single submitter. Criteria: Invitae Variant Classification Sherloc (09022015). Collection method: clinical testing. Allele origin: germline.
Comment: This sequence change replaces arginine, which is basic and polar, with tryptophan, which is neutral and slightly polar, at codon 79 of the SLC25A32 protein (p.Arg79Trp). This variant is present in population databases (rs756664081, gnomAD 0.03%). This variant has not been reported in the literature in individuals affected with SLC25A32-related conditions. ClinVar contains an entry for this variant (Variation ID: 3023943). Invitae Evidence Modeling of protein sequence and biophysical properties (such as structural, functional, and spatial information, amino acid conservation, physicochemical variation, residue mobility, and thermodynamic stability) indicates that this missense variant is not expected to disrupt SLC25A32 protein function with a negative predictive value of 80%. In summary, the available evidence is currently insufficient to determine the role of this variant in disease. Therefore, it has been classified as a Variant of Uncertain Significance.

Ambry Genetics
Classification: Uncertain significance. Last evaluated: 2024-01-24. Review status: criteria provided, single submitter. Criteria: Ambry Variant Classification Scheme 2023. Collection method: clinical testing. Allele origin: germline.